The following is an entry in ClinVar:

ClinVar aggregate classification (germline): Uncertain significance (1 of 4 stars; one submission).

Submission:

GeneDx
Classification: Uncertain significance. Last evaluated: 2017-06-29. Review status: criteria provided, single submitter. Criteria: GeneDx Variant Classification (06012015). Collection method: clinical testing. Allele origin: germline. Affected: yes.
Comment: A variant of uncertain significance has been identified in the NEB gene. The c.23847+5 T>C variant has not been published as a pathogenic variant, nor has it been reported as a benign variant to our knowledge. The c.23847+5 T>C variant is not observed in large population cohorts (Lek et al., 2016; 1000 Genomes Consortium et al., 2015; Exome Variant Server). Several in-silico splice prediction models predict that c.23847+5 T>C does not impact gene splicing. However, in the absence of RNA/functional studies, the actual effect of this sequence change in this individual is unknown. Therefore, based on the currently available information, it is unclear whether this variant is a pathogenic variant or a rare benign variant.

NM_001164508.2(NEB):c.23742+5T>C

Genes: NEB (nebulin; minus strand), RIF1 (replication timing regulatory factor 1; plus strand). Cytogenetic location: 2q23.3.
Variant type: single nucleotide variant.
Coding change: c.23742+5T>C on transcript NM_001164508.2 (MANE Select); 5 bases into the intron after coding-DNA position 23742, T replaced by C.
Molecular consequence: intron variant.
Genome position (GRCh38, 1-based): chr2:151,505,473, A>G on the plus strand (T>C on the coding strand, the complement: NEB is on the minus strand). VCF-style: chr2-151505473-A-G. GRCh37 (hg19) VCF-style: chr2-152361987-A-G.
Other names: c.18639+5T>C (NM_004543.5); c.23742+5T>C (NM_001164507.2); c.23847+5T>C (NM_001271208.2).
Identifiers: ClinVar variation 450104 (VCV000450104.2), dbSNP rs1553594314, ClinGen allele CA658657077.